The following is an entry in ClinVar:

ClinVar aggregate classification (germline): Uncertain significance (1 of 4 stars; one submission).

Conditions:
Epileptic encephalopathy. Identifiers: MedGen C0543888, HP:0200134.

Allele frequency attached by ClinVar (database versions not stated): ExAC 0.00006; TOPMed 0.00001.
gnomAD v4.1: 19 of 1,576,344 alleles (0.0012%); highest among the groups gnomAD compares: African/African-American, 0.0067%; no homozygotes.

Submission:

Labcorp Genetics (formerly Invitae), Labcorp
Classification: Uncertain significance for Epileptic encephalopathy. Last evaluated: 2025-11-23. Review status: criteria provided, single submitter. Criteria: Invitae Variant Classification Sherloc (09022015). Collection method: clinical testing. Allele origin: germline.
Comment: This sequence change replaces arginine, which is basic and polar, with histidine, which is basic and polar, at codon 2168 of the FASN protein (p.Arg2168His). The frequency data for this variant in the population databases is considered unreliable, as metrics indicate poor data quality at this position in the gnomAD database. This variant has not been reported in the literature in individuals affected with FASN-related conditions. ClinVar contains an entry for this variant (Variation ID: 2728140). An algorithm developed to predict the effect of missense changes on protein structure and function (PolyPhen-2) suggests that this variant is likely to be disruptive. In summary, the available evidence is currently insufficient to determine the role of this variant in disease. Therefore, it has been classified as a Variant of Uncertain Significance.

NM_004104.5(FASN):c.6503G>A (p.Arg2168His)

Gene: FASN (fatty acid synthase; minus strand). Cytogenetic location: 17q25.3.
Variant type: single nucleotide variant.
Coding change: c.6503G>A on transcript NM_004104.5 (MANE Select); coding-DNA position 6503, G replaced by A.
Protein change: p.Arg2168His; replaces arginine 2168 with histidine.
Molecular consequence: missense variant.
Genome position (GRCh38, 1-based): chr17:82,081,256, C>T on the plus strand (G>A on the coding strand, the complement: FASN is on the minus strand). VCF-style: chr17-82081256-C-T. GRCh37 (hg19) VCF-style: chr17-80039132-C-T.
Other names: short protein forms R2168H.
Identifiers: ClinVar variation 2728140 (VCV002728140.3), dbSNP rs770758708, ClinGen allele CA8851282.